The following is an entry in ClinVar:

ClinVar aggregate classification (germline): Uncertain significance (1 of 4 stars; one submission).

Conditions:
Congenital myasthenic syndrome 4A. Also called: CONGENITAL MYASTHENIC SYNDROME TYPE Ia1; Myasthenic syndrome, congenital, 4a, slow-channel; MYASTHENIC SYNDROME, CONGENITAL, 4A, SLOW-CHANNEL, AUTOSOMAL RECESSIVE. Identifiers: Orphanet 590, MedGen C4225413, MONDO:0011600, OMIM 605809.

Submission:

Labcorp Genetics (formerly Invitae), Labcorp
Classification: Uncertain significance for Congenital myasthenic syndrome 4A. Last evaluated: 2022-05-21. Review status: criteria provided, single submitter. Criteria: Invitae Variant Classification Sherloc (09022015). Collection method: clinical testing. Allele origin: germline.
Comment: This sequence change replaces alanine, which is neutral and non-polar, with phenylalanine, which is neutral and non-polar, at codon 126 of the CHRNE protein (p.Ala126Phe). This variant is present in population databases (no rsID available, gnomAD 0.08%). This variant has not been reported in the literature in individuals affected with CHRNE-related conditions. Algorithms developed to predict the effect of missense changes on protein structure and function are either unavailable or do not agree on the potential impact of this missense change (SIFT: "Not Available"; PolyPhen-2: "Probably Damaging"; Align-GVGD: "Not Available"). In summary, the available evidence is currently insufficient to determine the role of this variant in disease. Therefore, it has been classified as a Variant of Uncertain Significance.

NM_000080.4(CHRNE):c.376_377delinsTT (p.Ala126Phe)

Genes: C17orf107 (chromosome 17 open reading frame 107; plus strand), CHRNE (cholinergic receptor nicotinic epsilon subunit; minus strand). Cytogenetic location: 17p13.2.
Variant type: Indel.
Coding change: c.376_377delinsTT on transcript NM_000080.4 (MANE Select); coding-DNA positions 376 to 377, GC replaced by TT.
Protein change: p.Ala126Phe; replaces alanine 126 with phenylalanine.
Molecular consequence: missense variant. On other transcripts: 3 prime UTR variant (1).
Genome position (GRCh38, 1-based): chr17:4,902,055-4,902,056, GC replaced by AA on the plus strand (GC replaced by TT on the coding strand, the reverse complement: CHRNE is on the minus strand). VCF-style: chr17-4902055-GC-AA. GRCh37 (hg19) VCF-style: chr17-4805350-GC-AA.
Other names: c.*1522_*1523delinsAA (NM_001145536.2); short protein forms A126F.
Identifiers: ClinVar variation 2190807 (VCV002190807.1), dbSNP rs2507560567, ClinGen allele CA2580093577.
Genomic context (GRCh38, chr17:4,902,055, plus strand): 5'-CTGCGGTAGATGGCCGGAGGCAGCCACGTCACGGAGCCGCCCTCGTAGACGAGCACGTTG[GC>AA]GTCGTAGGCCACTCCGAACTGGCCATCAATACTGTGGGCTCGGGGAAACCGAGCTTTTTG-3'
Protein context (NP_000071.1, residues 116-136): IDGQFGVAYD[Ala126Phe]NVLVYEGGSV